The following is an entry in ClinVar:

ClinVar aggregate classification (germline): Uncertain significance. Review status: criteria provided, multiple submitters, no conflicts (2 of 4 stars). 2 submissions from 2 submitters: Uncertain significance (2). Last evaluated 2023-04-27.

Conditions:
Cardiovascular phenotype. Identifiers: MedGen CN230736.
Brugada syndrome 7 (BRGDA7). Identifiers: Orphanet 130, MedGen C2751088, MONDO:0013146, OMIM 613120.

Submissions (2):

Ambry Genetics
Classification: Uncertain significance for Cardiovascular phenotype. Last evaluated: 2023-04-27. Review status: criteria provided, single submitter. Criteria: Ambry Variant Classification Scheme 2023. Collection method: clinical testing. Allele origin: germline.
Comment: The c.392_397delATCGGC variant (also known as p.H131_R132del) is located in coding exon 3 of the SCN3B gene. This variant results from an in-frame ATCGGC deletion at nucleotide positions 392 to 397. This results in the in-frame deletion of a histidine residue at codon 131 and an arginine residue at codon 132. These amino acid positions are well conserved in available vertebrate species. In addition, this alteration is predicted to be deleterious by in silico analysis (Choi Y et al. PLoS ONE. 2012; 7(10):e46688). The evidence for this gene-disease relationship is limited; therefore, the clinical significance of this alteration is unclear.

Labcorp Genetics (formerly Invitae), Labcorp
Classification: Uncertain significance for Brugada syndrome 7. Last evaluated: 2022-07-19. Review status: criteria provided, single submitter. Criteria: Invitae Variant Classification Sherloc (09022015). Collection method: clinical testing. Allele origin: germline.
Comment: In summary, the available evidence is currently insufficient to determine the role of this variant in disease. Therefore, it has been classified as a Variant of Uncertain Significance. Experimental studies and prediction algorithms are not available or were not evaluated, and the functional significance of this variant is currently unknown. ClinVar contains an entry for this variant (Variation ID: 1486045). This variant has not been reported in the literature in individuals affected with SCN3B-related conditions. This variant is not present in population databases (gnomAD no frequency). This variant, c.392_397del, results in the deletion of 2 amino acid(s) of the SCN3B protein (p.His131_Arg132del), but otherwise preserves the integrity of the reading frame.

NM_001040151.2(SCN3B):c.392_397del (p.His131_Arg132del)

Gene: SCN3B (sodium voltage-gated channel beta subunit 3; minus strand). Cytogenetic location: 11q24.1.
Variant type: Deletion.
Coding change: c.392_397del on transcript NM_001040151.2 (MANE Select); coding-DNA positions 392 to 397, 6 bases deleted (ATCGGC; older notation c.392_397delATCGGC).
Protein change: p.His131_Arg132del.
Molecular consequence: inframe deletion.
Genome position (GRCh38, 1-based): chr11:123,642,494-123,642,499, GCCGAT deleted on the plus strand (ATCGGC on the coding strand, the reverse complement: SCN3B is on the minus strand); deleting any 6 consecutive bases within chr11:123,642,494-123,642,501 gives the same sequence; the c. name uses the placement nearest the transcript's 3' end. VCF-style (leftmost placement, unchanged base first): chr11-123642493-GGCCGAT-G. GRCh37 (hg19) VCF-style: chr11-123513201-GGCCGAT-G.
Other names: c.392_397del, p.His131_Arg132del (NM_018400.4); c.392_397delATCGGC (NM_018400.3).
Identifiers: ClinVar variation 1486045 (VCV001486045.10), dbSNP rs2137241970, ClinGen allele CA2573147020.
Genomic context (GRCh38, chr11:123,642,493, plus strand): 5'-GCCTCAGCCTCACCCTCCTCGGTGACTCTTAGGGGGATCAGCCGCGTCGTCTTCACAAAG[GGCCGAT>G]GCGCCTCAAACTCAAACTCCCGGGACACATTGCAGGTGTAGAGGCCAGAGTCGTTCAGAG-3'